The following is an entry in ClinVar:

ClinVar aggregate classification (germline): Uncertain significance. Review status: criteria provided, multiple submitters, no conflicts (2 of 4 stars). 2 submissions from 2 submitters: Uncertain significance (2). Last evaluated 2026-07-29.

Conditions:
Autosomal dominant polycystic kidney disease. Identifiers: Orphanet 730, MedGen C0085413, MONDO:0004691.
Inborn genetic diseases. Identifiers: MedGen C0950123, MeSH D030342.

gnomAD v4.1: 6 of 1,518,072 alleles (0.0004%); highest among the groups gnomAD compares: Non-Finnish European, 0.00053%; no homozygotes.

Submissions (2):

Ambry Genetics
Classification: Uncertain significance for Inborn genetic diseases. Last evaluated: 2026-07-29. Review status: criteria provided, single submitter. Criteria: Ambry Variant Classification Scheme 2023. Collection method: clinical testing. Allele origin: germline.

Labcorp Genetics (formerly Invitae), Labcorp
Classification: Uncertain significance for Autosomal dominant polycystic kidney disease. Last evaluated: 2023-12-01. Review status: criteria provided, single submitter. Criteria: Invitae Variant Classification Sherloc (09022015). Collection method: clinical testing. Allele origin: germline.
Comment: This sequence change replaces arginine, which is basic and polar, with proline, which is neutral and non-polar, at codon 119 of the PKD2 protein (p.Arg119Pro). This variant is not present in population databases (gnomAD no frequency). This variant has not been reported in the literature in individuals affected with PKD2-related conditions. An algorithm developed to predict the effect of missense changes on protein structure and function (PolyPhen-2) suggests that this variant is likely to be disruptive. In summary, the available evidence is currently insufficient to determine the role of this variant in disease. Therefore, it has been classified as a Variant of Uncertain Significance.

NM_000297.4(PKD2):c.356G>C (p.Arg119Pro)

Genes: PKD2 (polycystin 2, transient receptor potential cation channel; plus strand), LOC129992813 (ATAC-STARR-seq lymphoblastoid silent region 15559; plus strand). Cytogenetic location: 4q22.1.
Variant type: single nucleotide variant.
Coding change: c.356G>C on transcript NM_000297.4 (MANE Select); coding-DNA position 356, G replaced by C.
Protein change: p.Arg119Pro; replaces arginine 119 with proline.
Molecular consequence: missense variant. On other transcripts: non-coding transcript variant (1).
Genome position (GRCh38, 1-based): chr4:88,008,089, G>C. VCF-style: chr4-88008089-G-C. GRCh37 (hg19) VCF-style: chr4-88929241-G-C.
Other names: c.356G>C (NM_000297.3); short protein forms R119P.
Identifiers: ClinVar variation 2919286 (VCV002919286.4), dbSNP rs748654180, ClinGen allele CA357626352.